The following is an entry in ClinVar:

NM_001378030.1(CCDC78):c.269T>C (p.Ile90Thr)

Gene: CCDC78 (coiled-coil domain containing 78; minus strand). Cytogenetic location: 16p13.3.
Variant type: single nucleotide variant.
Coding change: c.269T>C on transcript NM_001378030.1 (MANE Select); coding-DNA position 269, T replaced by C.
Protein change: p.Ile90Thr; replaces isoleucine 90 with threonine.
Molecular consequence: missense variant. On other transcripts: non-coding transcript variant (5), intron variant (1).
Genome position (GRCh38, 1-based): chr16:725,579, A>G on the plus strand (T>C on the coding strand, the complement: CCDC78 is on the minus strand). VCF-style: chr16-725579-A-G. GRCh37 (hg19) VCF-style: chr16-775579-A-G.
Other names: c.269T>C, p.Ile90Thr (NM_001031737.3, NM_001378031.1); c.-19+215T>C (NM_001378033.1); short protein forms I90T.
Identifiers: ClinVar variation 4221550 (VCV004221550.2).

ClinVar aggregate classification (germline): Uncertain significance. Review status: criteria provided, multiple submitters, no conflicts (2 of 4 stars). 2 submissions from 2 submitters: Uncertain significance (2). Last evaluated 2025-12-03.

Conditions:
Congenital myopathy with internal nuclei and atypical cores. Also called: Myopathy, centronuclear, 4. Identifiers: Orphanet 319160, MedGen C4707232, MONDO:0013890, OMIM 614807.
Inborn genetic diseases. Identifiers: MedGen C0950123, MeSH D030342.

gnomAD v4.1: 7 of 1,606,882 alleles (0.00044%); highest among the groups gnomAD compares: African/African-American, 0.0094%; no homozygotes.

Submissions (2):

Labcorp Genetics (formerly Invitae), Labcorp
Classification: Uncertain significance for Congenital myopathy with internal nuclei and atypical cores. Last evaluated: 2025-12-03. Review status: criteria provided, single submitter. Criteria: Invitae Variant Classification Sherloc (09022015). Collection method: clinical testing. Allele origin: germline.
Comment: This sequence change replaces isoleucine, which is neutral and non-polar, with threonine, which is neutral and polar, at codon 90 of the CCDC78 protein (p.Ile90Thr). This variant is present in population databases (no rsID available, gnomAD 0.01%). This variant has not been reported in the literature in individuals affected with CCDC78-related conditions. ClinVar contains an entry for this variant (Variation ID: 4221550). An algorithm developed to predict the effect of missense changes on protein structure and function (PolyPhen-2) suggests that this variant is likely to be tolerated. In summary, the available evidence is currently insufficient to determine the role of this variant in disease. Therefore, it has been classified as a Variant of Uncertain Significance.

Ambry Genetics
Classification: Uncertain significance for Inborn genetic diseases. Last evaluated: 2025-08-30. Review status: criteria provided, single submitter. Criteria: Ambry Variant Classification Scheme 2023. Collection method: clinical testing. Allele origin: germline.